The following is an entry in ClinVar:

NM_016306.6(DNAJB11):c.1012+13_1012+14insTTTTGTGTGTGTGTGTGTGTGT

Gene: DNAJB11 (DnaJ heat shock protein family (Hsp40) member B11; plus strand). Cytogenetic location: 3q27.3.
Variant type: Insertion.
Coding change: c.1012+13_1012+14insTTTTGTGTGTGTGTGTGTGTGT on transcript NM_016306.6 (MANE Select); bases 13 to 14 of the intron after coding-DNA position 1012, TTTTGTGTGTGTGTGTGTGTGT inserted.
Molecular consequence: intron variant.
Genome position: GRCh38 VCF-style: chr3-186584602-A-ATTTTGTGTGTGTGTGTGTGTGT. GRCh37 (hg19) VCF-style: chr3-186302391-A-ATTTTGTGTGTGTGTGTGTGTGT.
Other names: c.736+13_736+14insTTTTGTGTGTGTGTGTGTGTGT (NM_001378451.1).
Identifiers: ClinVar variation 4708377 (VCV004708377.1).

ClinVar aggregate classification (germline): Uncertain significance (1 of 4 stars; one submission).

Submission:

Labcorp Genetics (formerly Invitae), Labcorp
Classification: Uncertain significance. Last evaluated: 2025-05-01. Review status: criteria provided, single submitter. Criteria: Invitae Variant Classification Sherloc (09022015). Collection method: clinical testing. Allele origin: germline.
Comment: This sequence change falls in intron 9 of the DNAJB11 gene. It does not directly change the encoded amino acid sequence of the DNAJB11 protein. This variant is not present in population databases (gnomAD no frequency). This variant has not been reported in the literature in individuals affected with DNAJB11-related conditions. Experimental studies and prediction algorithms are not available or were not evaluated, and the effect of this variant on mRNA splicing is currently unknown. In summary, the available evidence is currently insufficient to determine the role of this variant in disease. Therefore, it has been classified as a Variant of Uncertain Significance.